The following is an entry in ClinVar:

ClinVar aggregate classification (germline): Uncertain significance. Review status: criteria provided, multiple submitters, no conflicts (2 of 4 stars). 2 submissions from 2 submitters: Uncertain significance (2). Last evaluated 2025-12-13.

Conditions:
Hereditary cancer-predisposing syndrome. Also called: Tumor predisposition; Neoplastic Syndromes, Hereditary; Hereditary Cancer Syndrome; Hereditary neoplastic syndrome. Identifiers: Orphanet 140162, MedGen C0027672, MeSH D009386, MONDO:0015356.
Ataxia-telangiectasia syndrome (AT). Also called: Cerebello-oculocutaneous telangiectasia; Immunodeficiency with ataxia telangiectasia; ATAXIA-TELANGIECTASIA, COMPLEMENTATION GROUP A; Ataxia-telangiectasia, complementation group D; AT, COMPLEMENTATION GROUP C; ATAXIA-TELANGIECTASIA, FRESNO VARIANT. Identifiers: Orphanet 100, MedGen C0004135, MONDO:0008840, OMIM 208900.

gnomAD v4.1: 1 of 1,611,228 alleles (0.000062%); highest among the groups gnomAD compares: Admixed American, 0.0017%; no homozygotes.

Submissions (2):

Labcorp Genetics (formerly Invitae), Labcorp
Classification: Uncertain significance for Ataxia-telangiectasia syndrome. Last evaluated: 2025-12-13. Review status: criteria provided, single submitter. Criteria: Invitae Variant Classification Sherloc (09022015). Collection method: clinical testing. Allele origin: germline.
Comment: This sequence change replaces serine, which is neutral and polar, with threonine, which is neutral and polar, at codon 821 of the ATM protein (p.Ser821Thr). This variant is not present in population databases (gnomAD no frequency). This variant has not been reported in the literature in individuals affected with ATM-related conditions. ClinVar contains an entry for this variant (Variation ID: 479003). Invitae Evidence Modeling of protein sequence and biophysical properties (such as structural, functional, and spatial information, amino acid conservation, physicochemical variation, residue mobility, and thermodynamic stability) indicates that this missense variant is not expected to disrupt ATM protein function with a negative predictive value of 95%. In summary, the available evidence is currently insufficient to determine the role of this variant in disease. Therefore, it has been classified as a Variant of Uncertain Significance.

Ambry Genetics
Classification: Uncertain significance for Hereditary cancer-predisposing syndrome. Last evaluated: 2025-11-12. Review status: criteria provided, single submitter. Criteria: Ambry Variant Classification Scheme 2023. Collection method: clinical testing. Allele origin: germline.
Comment: The p.S821T variant (also known as c.2462G>C), located in coding exon 15 of the ATM gene, results from a G to C substitution at nucleotide position 2462. The serine at codon 821 is replaced by threonine, an amino acid with similar properties. This amino acid position is not well conserved in available vertebrate species. In addition, this alteration is predicted to be tolerated by in silico analysis. Based on the available evidence, the clinical significance of this variant remains unclear.

NM_000051.4(ATM):c.2462G>C (p.Ser821Thr)

Gene: ATM (ATM serine/threonine kinase; plus strand). Cytogenetic location: 11q22.3.
Variant type: single nucleotide variant.
Coding change: c.2462G>C on transcript NM_000051.4 (MANE Select); coding-DNA position 2462, G replaced by C.
Protein change: p.Ser821Thr; replaces serine 821 with threonine.
Molecular consequence: missense variant.
Genome position (GRCh38, 1-based): chr11:108,259,071, G>C. VCF-style: chr11-108259071-G-C. GRCh37 (hg19) VCF-style: chr11-108129798-G-C.
Other names: c.2462G>C, p.Ser821Thr (NM_001351834.2); short protein forms S821T.
Identifiers: ClinVar variation 479003 (VCV000479003.16), dbSNP rs1555076748, ClinGen allele CA382541410.